The following is an entry in ClinVar:

ClinVar aggregate classification (germline): Uncertain significance (1 of 4 stars; one submission).

Submission:

Ambry Genetics
Classification: Uncertain significance. Last evaluated: 2023-05-11. Review status: criteria provided, single submitter. Criteria: Ambry Variant Classification Scheme 2023. Collection method: clinical testing. Allele origin: germline.
Comment: The p.K216N variant (also known as c.648G>C), located in coding exon 1 of the EGLN1 gene, results from a G to C substitution at nucleotide position 648. The lysine at codon 216 is replaced by asparagine, an amino acid with similar properties. This amino acid position is not well conserved in available vertebrate species. In addition, this alteration is predicted to be tolerated by in silico analysis. Since supporting evidence is limited at this time, the clinical significance of this alteration remains unclear.

NM_022051.3(EGLN1):c.648G>C (p.Lys216Asn)

Gene: EGLN1 (egl-9 family hypoxia inducible factor 1; minus strand). Cytogenetic location: 1q42.2.
Variant type: single nucleotide variant.
Coding change: c.648G>C on transcript NM_022051.3 (MANE Select); coding-DNA position 648, G replaced by C.
Protein change: p.Lys216Asn; replaces lysine 216 with asparagine.
Molecular consequence: missense variant.
Genome position (GRCh38, 1-based): chr1:231,421,241, C>G on the plus strand (G>C on the coding strand, the complement: EGLN1 is on the minus strand). VCF-style: chr1-231421241-C-G. GRCh37 (hg19) VCF-style: chr1-231556987-C-G.
Other names: c.648G>C, p.Lys216Asn (NM_001377260.1, NM_001377261.1); short protein forms K216N.
Identifiers: ClinVar variation 2565132 (VCV002565132.2), dbSNP rs2527359147, ClinGen allele CA345236138.